The following is an entry in ClinVar:

ClinVar aggregate classification (germline): Likely benign. Review status: criteria provided, multiple submitters, no conflicts (2 of 4 stars). 2 submissions from 2 submitters: Likely benign (2). Last evaluated 2025-12-06.

Conditions:
MEGF10-related myopathy (CMYO10A). Also called: Congenital myopathy 10A, severe variant. Identifiers: Orphanet 439212, MedGen C3280679, MONDO:0013731, OMIM 614399.

Allele frequency attached by ClinVar (database versions not stated): gnomAD exomes 0.00002 and 0.00004; gnomAD 0.00003 and 0.00004; TOPMed 0.00005.
gnomAD v4.1: 63 of 1,612,908 alleles (0.0039%); highest among the groups gnomAD compares: African/African-American, 0.0093%; no homozygotes.

Submissions (2):

Mayo Clinic Laboratories, Mayo Clinic
Classification: Likely benign. Last evaluated: 2025-12-06. Review status: criteria provided, single submitter. Criteria: ACMG Guidelines, 2015. Collection method: clinical testing. Allele origin: germline. Observed: 1 variant allele.
Comment: BP4, BP7

Labcorp Genetics (formerly Invitae), Labcorp
Classification: Likely benign for MEGF10-related myopathy. Last evaluated: 2025-01-16. Review status: criteria provided, single submitter. Criteria: Invitae Variant Classification Sherloc (09022015). Collection method: clinical testing. Allele origin: germline.

NM_001256545.2(MEGF10):c.492C>T (p.Thr164=)

Gene: MEGF10 (multiple EGF like domains 10; plus strand). Cytogenetic location: 5q23.2.
Variant type: single nucleotide variant.
Coding change: c.492C>T on transcript NM_001256545.2 (MANE Select); coding-DNA position 492, C replaced by T.
Protein change: p.Thr164=; no amino-acid change (threonine 164 retained).
Molecular consequence: synonymous variant.
Genome position (GRCh38, 1-based): chr5:127,396,611, C>T. VCF-style: chr5-127396611-C-T. GRCh37 (hg19) VCF-style: chr5-126732303-C-T.
Other names: p.Thr164=; c.492C>T, p.Thr164= (NM_001308119.2, NM_001308121.2, NM_032446.3).
Identifiers: ClinVar variation 1128170 (VCV001128170.10), dbSNP rs1252315041, ClinGen allele CA446490981.